The following is an entry in ClinVar:

ClinVar aggregate classification (germline): Uncertain significance (1 of 4 stars; one submission).

Conditions:
Emery-Dreifuss muscular dystrophy 5, autosomal dominant (EDMD5). Also called: EMERY-DREIFUSS MUSCULAR DYSTROPHY 5. Identifiers: Orphanet 261, MedGen C2751805, MONDO:0013072, OMIM 612999.

Allele frequency attached by ClinVar (database versions not stated): gnomAD exomes 0.00001; TOPMed 0.00002; gnomAD 0.00003.
gnomAD v4.1: 19 of 1,613,872 alleles (0.0012%); highest among the groups gnomAD compares: Admixed American, 0.0067%; no homozygotes.

Submission:

Labcorp Genetics (formerly Invitae), Labcorp
Classification: Uncertain significance for Emery-Dreifuss muscular dystrophy 5, autosomal dominant. Last evaluated: 2023-02-16. Review status: criteria provided, single submitter. Criteria: Invitae Variant Classification Sherloc (09022015). Collection method: clinical testing. Allele origin: germline.
Comment: This sequence change replaces valine, which is neutral and non-polar, with isoleucine, which is neutral and non-polar, at codon 5008 of the SYNE2 protein (p.Val5008Ile). This variant is present in population databases (no rsID available, gnomAD 0.006%). This variant has not been reported in the literature in individuals affected with SYNE2-related conditions. An algorithm developed to predict the effect of missense changes on protein structure and function (PolyPhen-2) suggests that this variant is likely to be disruptive. In summary, the available evidence is currently insufficient to determine the role of this variant in disease. Therefore, it has been classified as a Variant of Uncertain Significance.

NM_182914.3(SYNE2):c.15022G>A (p.Val5008Ile)

Gene: SYNE2 (spectrin repeat containing nuclear envelope protein 2; plus strand). Cytogenetic location: 14q23.2.
Variant type: single nucleotide variant.
Coding change: c.15022G>A on transcript NM_182914.3 (MANE Select); coding-DNA position 15022, G replaced by A.
Protein change: p.Val5008Ile; replaces valine 5008 with isoleucine.
Molecular consequence: missense variant.
Genome position (GRCh38, 1-based): chr14:64,141,386, G>A. VCF-style: chr14-64141386-G-A. GRCh37 (hg19) VCF-style: chr14-64608104-G-A.
Other names: c.15022G>A, p.Val5008Ile (NM_015180.6); short protein forms V5008I.
Identifiers: ClinVar variation 2733649 (VCV002733649.3), dbSNP rs1052186846, ClinGen allele CA261812788.